The following is an entry in ClinVar:

ClinVar aggregate classification (germline): Uncertain significance (1 of 4 stars; one submission).

Allele frequency attached by ClinVar (database versions not stated): gnomAD exomes below 0.00001.
gnomAD v4.1: 1 of 1,586,520 alleles (0.000063%); highest among the groups gnomAD compares: Non-Finnish European, 0.000086%; no homozygotes.

Submission:

Labcorp Genetics (formerly Invitae), Labcorp
Classification: Uncertain significance. Last evaluated: 2022-12-23. Review status: criteria provided, single submitter. Criteria: Invitae Variant Classification Sherloc (09022015). Collection method: clinical testing. Allele origin: germline.
Comment: In summary, the available evidence is currently insufficient to determine the role of this variant in disease. Therefore, it has been classified as a Variant of Uncertain Significance. Algorithms developed to predict the effect of missense changes on protein structure and function are either unavailable or do not agree on the potential impact of this missense change (SIFT: "Deleterious"; PolyPhen-2: "Benign"; Align-GVGD: "Class C0"). This variant has not been reported in the literature in individuals affected with SLC12A6-related conditions. This variant is not present in population databases (gnomAD no frequency). This sequence change replaces valine, which is neutral and non-polar, with phenylalanine, which is neutral and non-polar, at codon 374 of the SLC12A6 protein (p.Val374Phe).

NM_001365088.1(SLC12A6):c.1120G>T (p.Val374Phe)

Gene: SLC12A6 (solute carrier family 12 member 6; minus strand). Cytogenetic location: 15q14.
Variant type: single nucleotide variant.
Coding change: c.1120G>T on transcript NM_001365088.1 (MANE Select); coding-DNA position 1120, G replaced by T.
Protein change: p.Val374Phe; replaces valine 374 with phenylalanine.
Molecular consequence: missense variant.
Genome position (GRCh38, 1-based): chr15:34,252,383, C>A on the plus strand (G>T on the coding strand, the complement: SLC12A6 is on the minus strand). VCF-style: chr15-34252383-C-A. GRCh37 (hg19) VCF-style: chr15-34544584-C-A.
Other names: c.943G>T, p.Val315Phe (NM_001042494.2, NM_001042495.2); c.1093G>T, p.Val365Phe (NM_001042496.2); c.1075G>T, p.Val359Phe (NM_001042497.2); c.967G>T, p.Val323Phe (NM_005135.2); c.1120G>T, p.Val374Phe (NM_133647.2); short protein forms V315F, V323F, V365F, V374F, V359F.
Identifiers: ClinVar variation 2991400 (VCV002991400.3), dbSNP rs1218942393, ClinGen allele CA391607781.
Genomic context (GRCh38, chr15:34,252,383, plus strand): 5'-TGGTCTTAGAGCAAACGTCAATGTGTCTTGATGAAAGGGTGCGGTTACCCAGCATGCAGA[C>A]CCTAAGTGAAAAGAAATAGGGAGAAAGATCAAGTAAGGAAAAAAAGTACATTAAAAAAAA-3'
Protein context (NP_001352017.1, residues 364-384): KSSFAPPHFP[Val374Phe]CMLGNRTLSS